The following is an entry in ClinVar:

NM_001385012.1(NBEA):c.723+8T>C

Gene: NBEA (neurobeachin; plus strand). Cytogenetic location: 13q13.3.
Variant type: single nucleotide variant.
Coding change: c.723+8T>C on transcript NM_001385012.1 (MANE Select); 8 bases into the intron after coding-DNA position 723, T replaced by C.
Molecular consequence: intron variant.
Genome position (GRCh38, 1-based): chr13:35,045,409, T>C. VCF-style: chr13-35045409-T-C. GRCh37 (hg19) VCF-style: chr13-35619546-T-C.
Other names: c.723+8T>C (NM_015678.5, NM_001379245.1).
Identifiers: ClinVar variation 3026282 (VCV003026282.22), dbSNP rs1428711463, ClinGen allele CA609454746.

ClinVar aggregate classification (germline): Likely benign (1 of 4 stars; one submission).

Allele frequency attached by ClinVar (database versions not stated): TOPMed below 0.00001; gnomAD 0.00001; gnomAD exomes 0.00001.
gnomAD v4.1: 9 of 1,585,020 alleles (0.00057%); highest among the groups gnomAD compares: Non-Finnish European, 0.00078%; no homozygotes.

Submission:

CeGaT Center for Human Genetics Tuebingen
Classification: Likely benign. Last evaluated: 2024-02-01. Review status: criteria provided, single submitter. Criteria: CeGaT Center For Human Genetics Tuebingen Variant Classification Criteria Version 2. Collection method: clinical testing. Allele origin: germline. Affected: yes. Observed: 1 variant allele.
Comment: NBEA: BP4